The following is an entry in ClinVar:

ClinVar aggregate classification (germline): Uncertain significance (1 of 4 stars; one submission).

Submission:

Labcorp Genetics (formerly Invitae), Labcorp
Classification: Uncertain significance. Last evaluated: 2024-04-06. Review status: criteria provided, single submitter. Criteria: Invitae Variant Classification Sherloc (09022015). Collection method: clinical testing. Allele origin: germline.
Comment: This sequence change replaces threonine, which is neutral and polar, with serine, which is neutral and polar, at codon 505 of the TCIRG1 protein (p.Thr505Ser). This variant is not present in population databases (gnomAD no frequency). This variant has not been reported in the literature in individuals affected with TCIRG1-related conditions. Advanced modeling of protein sequence and biophysical properties (such as structural, functional, and spatial information, amino acid conservation, physicochemical variation, residue mobility, and thermodynamic stability) performed at Invitae indicates that this missense variant is not expected to disrupt TCIRG1 protein function with a negative predictive value of 80%. In summary, the available evidence is currently insufficient to determine the role of this variant in disease. Therefore, it has been classified as a Variant of Uncertain Significance.

NM_006019.4(TCIRG1):c.1514C>G (p.Thr505Ser)

Gene: TCIRG1 (T cell immune regulator 1, ATPase H+ transporting V0 subunit a3; plus strand). Cytogenetic location: 11q13.2.
Variant type: single nucleotide variant.
Coding change: c.1514C>G on transcript NM_006019.4 (MANE Select); coding-DNA position 1514, C replaced by G.
Protein change: p.Thr505Ser; replaces threonine 505 with serine.
Molecular consequence: missense variant.
Genome position (GRCh38, 1-based): chr11:68,047,932, C>G. VCF-style: chr11-68047932-C-G. GRCh37 (hg19) VCF-style: chr11-67815399-C-G.
Other names: c.620C>G, p.Thr207Ser (NM_001351059.2); c.866C>G, p.Thr289Ser (NM_006053.4); short protein forms T207S, T289S, T505S.
Identifiers: ClinVar variation 3627492 (VCV003627492.2).